The following is an entry in ClinVar:

NM_006444.3(SMC2):c.889C>T (p.Arg297Ter)

Gene: SMC2 (structural maintenance of chromosomes 2; plus strand). Cytogenetic location: 9q31.1.
Variant type: single nucleotide variant.
Coding change: c.889C>T on transcript NM_006444.3 (MANE Select); coding-DNA position 889, C replaced by T.
Protein change: p.Arg297Ter; replaces arginine 297 with a stop codon.
Molecular consequence: nonsense.
Genome position (GRCh38, 1-based): chr9:104,102,442, C>T. VCF-style: chr9-104102442-C-T. GRCh37 (hg19) VCF-style: chr9-106864723-C-T.
Other names: c.889C>T, p.Arg297Ter (NM_001042550.2, NM_001042551.2, NM_001265602.2); short protein forms R297*.
Identifiers: ClinVar variation 1015975 (VCV001015975.8), dbSNP rs761107909, ClinGen allele CA5164267.

ClinVar aggregate classification (germline): Uncertain significance (1 of 4 stars; one submission).

Allele frequency attached by ClinVar (database versions not stated): gnomAD exomes below 0.00001; ExAC 0.00001.
gnomAD v4.1: 4 of 1,608,144 alleles (0.00025%); highest among the groups gnomAD compares: Admixed American, 0.0017%; no homozygotes.

Submission:

Labcorp Genetics (formerly Invitae), Labcorp
Classification: Uncertain significance. Last evaluated: 2023-10-11. Review status: criteria provided, single submitter. Criteria: Invitae Variant Classification Sherloc (09022015). Collection method: clinical testing. Allele origin: germline.
Comment: This sequence change creates a premature translational stop signal (p.Arg297*) in the SMC2 gene. It is expected to result in an absent or disrupted protein product. However, the current clinical and genetic evidence is not sufficient to establish whether loss-of-function variants in SMC2 cause disease. This variant is present in population databases (rs761107909, gnomAD 0.003%). This variant has not been reported in the literature in individuals affected with SMC2-related conditions. ClinVar contains an entry for this variant (Variation ID: 1015975). In summary, the available evidence is currently insufficient to determine the role of this variant in disease. Therefore, it has been classified as a Variant of Uncertain Significance.